The following is an entry in ClinVar:

NM_001346754.2(PIGW):c.359G>A (p.Ser120Asn)

Genes: MYO19 (myosin XIX; minus strand), PIGW (phosphatidylinositol glycan anchor biosynthesis class W; plus strand). Cytogenetic location: 17q12.
Variant type: single nucleotide variant.
Coding change: c.359G>A on transcript NM_001346754.2 (MANE Select); coding-DNA position 359, G replaced by A.
Protein change: p.Ser120Asn; replaces serine 120 with asparagine.
Molecular consequence: missense variant.
Genome position (GRCh38, 1-based): chr17:36,537,460, G>A. VCF-style: chr17-36537460-G-A. GRCh37 (hg19) VCF-style: chr17-34893309-G-A.
Other names: c.359G>A, p.Ser120Asn (NM_001346755.2, NM_178517.5); short protein forms S120N.
Identifiers: ClinVar variation 1516142 (VCV001516142.4), dbSNP rs1433821334, ClinGen allele CA399162508.

ClinVar aggregate classification (germline): Uncertain significance (1 of 4 stars; one submission).

Conditions:
Hyperphosphatasia with intellectual disability syndrome 5 (GPIBD11). Also called: GLYCOSYLPHOSPHATIDYLINOSITOL BIOSYNTHESIS DEFECT 11. Identifiers: Orphanet 247262, MedGen C4014958, MONDO:0014457, OMIM 616025.

Allele frequency attached by ClinVar (database versions not stated): gnomAD exomes below 0.00001.
gnomAD v4.1: 1 of 1,614,074 alleles (0.000062%); highest among the groups gnomAD compares: Admixed American, 0.0017%; no homozygotes.

Submission:

Labcorp Genetics (formerly Invitae), Labcorp
Classification: Uncertain significance for Hyperphosphatasia with intellectual disability syndrome 5. Last evaluated: 2021-10-12. Review status: criteria provided, single submitter. Criteria: Invitae Variant Classification Sherloc (09022015). Collection method: clinical testing. Allele origin: germline.
Comment: This variant is not present in population databases (ExAC no frequency). This sequence change replaces serine with asparagine at codon 120 of the PIGW protein (p.Ser120Asn). The serine residue is weakly conserved and there is a small physicochemical difference between serine and asparagine. This variant has not been reported in the literature in individuals affected with PIGW-related conditions. In summary, the available evidence is currently insufficient to determine the role of this variant in disease. Therefore, it has been classified as a Variant of Uncertain Significance. Algorithms developed to predict the effect of missense changes on protein structure and function output the following: SIFT: "Tolerated"; PolyPhen-2: "Benign"; Align-GVGD: "Class C0". The asparagine amino acid residue is found in multiple mammalian species, which suggests that this missense change does not adversely affect protein function.